The following is an entry in ClinVar:

ClinVar aggregate classification (germline): Pathogenic. Review status: criteria provided, single submitter (1 of 4 stars). 2 submissions from 2 submitters: Pathogenic (1). 1 of the submissions does not count toward it. Last evaluated 2025-04-02.

Conditions:
Multiple endocrine neoplasia, type 2 (MEN2). Identifiers: Orphanet 653, MedGen C4048306, MONDO:0019003. Disease mechanism: gain of function.
RET-related disorder. Also called: RET-related condition; RET-related disease; RET-related disorders.

Submissions (2):

Labcorp Genetics (formerly Invitae), Labcorp
Classification: Pathogenic for Multiple endocrine neoplasia, type 2. Last evaluated: 2025-04-02. Review status: criteria provided, single submitter. Criteria: Invitae Variant Classification Sherloc (09022015). Collection method: clinical testing. Allele origin: germline.
Comment: This sequence change creates a premature translational stop signal (p.Arg418*) in the RET gene. It is expected to result in an absent or disrupted protein product. Loss-of-function variants in RET are known to be pathogenic (PMID: 22174939, 22648184). This variant is not present in population databases (gnomAD no frequency). This premature translational stop signal has been observed in individual(s) with clinical features of Hirschsprung disease (PMID: 31983649). ClinVar contains an entry for this variant (Variation ID: 1403312). For these reasons, this variant has been classified as Pathogenic.

PreventionGenetics, part of Exact Sciences
Classification: Pathogenic for RET-related condition. Last evaluated: 2024-02-19. Review status: no assertion criteria provided. Collection method: clinical testing. Allele origin: germline. Not counted in ClinVar's aggregate classification.
Comment: The RET c.1252C>T variant is predicted to result in premature protein termination (p.Arg418*). This variant has been reported in at least one individual with Hirschsprung disease (Lorente-Ros et al. 2020. PubMed ID: 31983649). This variant has not been reported in a large population database, indicating this variant is rare. Nonsense variants in RET are expected to be pathogenic. This variant is interpreted as pathogenic.

Literature cited by the submitters: PubMed 22174939 (cited by Labcorp Genetics (formerly Invitae), Labcorp); PubMed 22648184 (cited by Labcorp Genetics (formerly Invitae), Labcorp); PubMed 31983649 (cited by Labcorp Genetics (formerly Invitae), Labcorp).

NM_020975.6(RET):c.1252C>T (p.Arg418Ter)

Gene: RET (ret proto-oncogene; plus strand). Cytogenetic location: 10q11.21.
Variant type: single nucleotide variant.
Coding change: c.1252C>T on transcript NM_020975.6 (MANE Select); coding-DNA position 1252, C replaced by T.
Protein change: p.Arg418Ter; replaces arginine 418 with a stop codon.
Molecular consequence: nonsense.
Genome position (GRCh38, 1-based): chr10:43,109,219, C>T. VCF-style: chr10-43109219-C-T. GRCh37 (hg19) VCF-style: chr10-43604667-C-T.
Other names: c.1252C>T, p.Arg418Ter (NM_000323.2, NM_001406743.1, NM_001406744.1 and 6 more transcripts); c.490C>T, p.Arg164Ter (NM_001355216.2); c.1123C>T, p.Arg375Ter (NM_001406761.1, NM_001406762.1, NM_001406764.1 and 1 more transcripts); c.964C>T, p.Arg322Ter (NM_001406766.1, NM_001406767.1, NM_001406770.1); c.814C>T, p.Arg272Ter (NM_001406771.1, NM_001406773.1); c.526C>T, p.Arg176Ter (NM_001406775.1, NM_001406776.1, NM_001406777.1 and 1 more transcripts); c.262C>T, p.Arg88Ter (NM_001406784.1); short protein forms R418*, R164*, R375*, R88*, R272*, R176*, R322*.
Identifiers: ClinVar variation 1403312 (VCV001403312.11), dbSNP rs2132747295, ClinGen allele CA376548067.